The following is an entry in ClinVar:

ClinVar aggregate classification (germline): Uncertain significance (1 of 4 stars; one submission).

Submission:

GeneDx
Classification: Uncertain significance. Last evaluated: 2024-07-12. Review status: criteria provided, single submitter. Criteria: GeneDx Variant Classification Process June 2021. Collection method: clinical testing. Allele origin: germline. Affected: yes.
Comment: Not observed at significant frequency in large population cohorts (gnomAD); In silico analysis supports that this missense variant has a deleterious effect on protein structure/function; Has not been previously published as pathogenic or benign to our knowledge

NM_022455.5(NSD1):c.962A>G (p.Tyr321Cys)

Gene: NSD1 (nuclear receptor binding SET domain protein 1; plus strand). Cytogenetic location: 5q35.3.
Variant type: single nucleotide variant.
Coding change: c.962A>G on transcript NM_022455.5 (MANE Select); coding-DNA position 962, A replaced by G.
Protein change: p.Tyr321Cys; replaces tyrosine 321 with cysteine.
Molecular consequence: missense variant.
Genome position (GRCh38, 1-based): chr5:177,191,918, A>G. VCF-style: chr5-177191918-A-G. GRCh37 (hg19) VCF-style: chr5-176618919-A-G.
Other names: c.89A>G, p.Tyr30Cys (NM_001365684.2, NM_001409305.1, NM_001409306.1 and 4 more transcripts); c.962A>G, p.Tyr321Cys (NM_001409301.1, NM_001409302.1, NM_001409303.1); c.542A>G, p.Tyr181Cys (NM_001409304.1); short protein forms Y181C, Y30C, Y321C.
Identifiers: ClinVar variation 3573685 (VCV003573685.1).
Genomic context (GRCh38, chr5:177,191,918, plus strand): 5'-ATGCCCCATGTTTTGTCTGTCTAAAGTGTCAACCTAAGAAAAAGTCTACGCCACTGAAGT[A>G]TGAAGTTGGAGATCTCATCTGGGCAAAATTCAAGAGACGCCCATGGTGGCCCTGCAGGAT-3'
Protein context (NP_071900.2, residues 311-331): QPKKKSTPLK[Tyr321Cys]EVGDLIWAKF